The following is an entry in ClinVar:

NM_001754.5(RUNX1):c.1266G>C (p.Glu422Asp)

Gene: RUNX1 (RUNX family transcription factor 1; minus strand). Cytogenetic location: 21q22.12.
Variant type: single nucleotide variant.
Coding change: c.1266G>C on transcript NM_001754.5 (MANE Select); coding-DNA position 1266, G replaced by C.
Protein change: p.Glu422Asp; replaces glutamic acid 422 with aspartic acid.
Molecular consequence: missense variant.
Genome position (GRCh38, 1-based): chr21:34,792,312, C>G on the plus strand (G>C on the coding strand, the complement: RUNX1 is on the minus strand). VCF-style: chr21-34792312-C-G. GRCh37 (hg19) VCF-style: chr21-36164609-C-G.
Other names: NM_001754.5(RUNX1):c.1266G>C; p.Glu422Asp; c.1185G>C, p.Glu395Asp (NM_001001890.3); short protein forms E422D, E395D.
Identifiers: ClinVar variation 409823 (VCV000409823.12), dbSNP rs967317406, ClinGen allele CA16616259.

ClinVar aggregate classification (germline): Uncertain significance. Review status: reviewed by expert panel (3 of 4 stars). 5 submissions from 5 submitters: Uncertain significance (1). 4 of the submissions do not count toward it. Last evaluated 2024-08-16.

Conditions:
Inborn genetic diseases. Identifiers: MedGen C0950123, MeSH D030342.
Acute myeloid leukemia (AML). Also called: Leukemia, acute myeloid, somatic; Leukemia, acute myelogenous, somatic; Acute myeloid leukemia, adult; AML adult; Acute non-lymphocytic leukemia; Acute granulocytic leukemia. Identifiers: Orphanet 519, MedGen C0023467, MeSH D015470, MONDO:0018874, OMIM 601626, HP:0004808. Disease mechanism: Constitutively activated FLT3.
Hereditary thrombocytopenia and hematological cancer predisposition syndrome associated with RUNX1. Also called: Familial Platelet Disorder with Propensity to Acute Myelogenous Leukemia; RUNX1 Familial Platelet Disorder with Associated Myeloid Malignancies; Familial thrombocytopenia with propensity to acute myelogenous leukemia; PLATELET DISORDER, ASPIRIN-LIKE. Identifiers: Orphanet 71290, MedGen C1832388, MeSH C563324, MONDO:0100083, OMIM 601399.
Hereditary thrombocytopenia and hematologic cancer predisposition syndrome. Identifiers: Orphanet 71290, MedGen CN281654, MONDO:0011071.

Allele frequency attached by ClinVar (database versions not stated): gnomAD 0.00001; gnomAD exomes 0.00001 and 0.00002; TOPMed 0.00002.
gnomAD v4.1: 29 of 1,539,200 alleles (0.0019%); highest among the groups gnomAD compares: African/African-American, 0.0055%; no homozygotes.

Submissions (5):

ClinGen Myeloid Malignancy Variant Curation Expert Panel
Classification: Uncertain significance for Hereditary thrombocytopenia and hematologic cancer predisposition syndrome. Last evaluated: 2024-08-16. Review status: reviewed by expert panel. Criteria: ClinGen MyeloMalig ACMG Specifications v2. Collection method: curation. Allele origin: germline. Inheritance: Autosomal dominant inheritance.
Comment: NM_001754.5(RUNX1):c.1266G>C (p.Glu422Asp) is a missense variant which has a REVEL score < 0.50 (0.11) and a SpliceAI score ≤ 0.20 (0.0) (BP4). In summary, the clinical significance of this variant is uncertain. ACMG/AMP criteria applied, as specified by the Myeloid Malignancy Variant Curation Expert Panel for RUNX1: BP4.

St. Jude Molecular Pathology, St. Jude Children's Research Hospital
Classification: Uncertain significance for Hereditary thrombocytopenia and hematological cancer predisposition syndrome associated with RUNX1. Last evaluated: 2026-10-01. Review status: criteria provided, single submitter. Criteria: St. Jude Assertion Criteria 2020. Collection method: clinical testing. Allele origin: germline. Not counted in ClinVar's aggregate classification.
Comment: The RUNX1 c.1266G>C p.(Glu422Asp) missense change has a maximum subpopulation frequency of 0.004% in gnomAD v2.1.1. The in silico tool REVEL predicts a benign effect on protein function, but to our knowledge this prediction has not been confirmed by functional studies. To our knowledge, this variant has not been reported in individuals with familial platelet disorder with associated myeloid malignancy. In summary, the evidence currently available is insufficient to determine the clinical significance of this variant. It has therefore been classified as of uncertain signific ance.

Ambry Genetics
Classification: Uncertain significance for Inborn genetic diseases. Last evaluated: 2024-12-07. Review status: criteria provided, single submitter. Criteria: Ambry Variant Classification Scheme 2023. Collection method: clinical testing. Allele origin: germline. Not counted in ClinVar's aggregate classification.
Comment: The p.E422D variant (also known as c.1266G>C), located in coding exon 8 of the RUNX1 gene, results from a G to C substitution at nucleotide position 1266. The glutamic acid at codon 422 is replaced by aspartic acid, an amino acid with highly similar properties. This amino acid position is conserved. In addition, this alteration is predicted to be tolerated by in silico analysis. Based on the available evidence, the clinical significance of this variant remains unclear.

Labcorp Genetics (formerly Invitae), Labcorp
Classification: Uncertain significance for Hereditary thrombocytopenia and hematological cancer predisposition syndrome associated with RUNX1. Last evaluated: 2024-12-02. Review status: criteria provided, single submitter. Criteria: Invitae Variant Classification Sherloc (09022015). Collection method: clinical testing. Allele origin: germline. Not counted in ClinVar's aggregate classification.
Comment: This sequence change replaces glutamic acid, which is acidic and polar, with aspartic acid, which is acidic and polar, at codon 422 of the RUNX1 protein (p.Glu422Asp). This variant is present in population databases (no rsID available, gnomAD 0.004%). This variant has not been reported in the literature in individuals affected with RUNX1-related conditions. ClinVar contains an entry for this variant (Variation ID: 409823). An algorithm developed to predict the effect of missense changes on protein structure and function outputs the following: PolyPhen-2: "Benign". The aspartic acid amino acid residue is found in multiple mammalian species, which suggests that this missense change does not adversely affect protein function. In summary, the available evidence is currently insufficient to determine the role of this variant in disease. Therefore, it has been classified as a Variant of Uncertain Significance.

Baylor Genetics
Classification: Uncertain significance for Acute myeloid leukemia. Last evaluated: 2023-12-08. Review status: criteria provided, single submitter. Criteria: ACMG Guidelines, 2015. Collection method: clinical testing. Allele origin: unknown. Not counted in ClinVar's aggregate classification.